The following is an entry in ClinVar:

ClinVar aggregate classification (germline): Benign. Review status: criteria provided, multiple submitters, no conflicts (2 of 4 stars). 10 submissions from 10 submitters: Benign (8). 2 of the submissions do not count toward it. Last evaluated 2026-02-04.

Conditions:
Focal segmental glomerulosclerosis 3, susceptibility to (FSGS3). Identifiers: Orphanet 656, MedGen C1842982, MONDO:0011917, OMIM 607832.

Allele frequency attached by ClinVar (database versions not stated): gnomAD exomes 0.99505 and 0.99819; ESP Exome Variant Server 0.97570; TOPMed 0.97867; gnomAD 0.98009 and 0.98155; 1000 Genomes Project 30x 0.98157; 1000 Genomes Project 0.98303; ExAC 0.99415.
gnomAD v4.1: 1,607,337 of 1,612,860 alleles (100%); highest among the groups gnomAD compares: East Asian, 100%; 801,087 homozygotes.

Submissions (10):

Labcorp Genetics (formerly Invitae), Labcorp
Classification: Benign. Last evaluated: 2026-02-04. Review status: criteria provided, single submitter. Criteria: Invitae Variant Classification Sherloc (09022015). Collection method: clinical testing. Allele origin: germline.

Blueprint Genetics
Classification: Benign. Last evaluated: 2024-11-27. Review status: criteria provided, single submitter. Criteria: ACMG Guidelines, 2015. Collection method: clinical testing. Allele origin: germline.

Unidad de Genómica Garrahan, Hospital de Pediatría Garrahan
Classification: Benign. Last evaluated: 2024-07-15. Review status: criteria provided, single submitter. Criteria: ACMG Guidelines, 2015. Collection method: clinical testing. Allele origin: germline. Affected: no. Observed: 93 variant alleles.
Comment: This variant is classified as Benign based on local population frequency. This variant was detected in 100% of patients studied in a panel designed for Epileptic and Developmental Encephalopathy and Progressive Myoclonus Epilepsy. Number of patients: 93. Only high quality variants are reported.

Mayo Clinic Laboratories, Mayo Clinic
Classification: Benign. Last evaluated: 2022-03-09. Review status: criteria provided, single submitter. Criteria: ACMG Guidelines, 2015. Collection method: clinical testing. Allele origin: germline. Observed: 149 variant alleles.

GeneDx
Classification: Benign. Last evaluated: 2019-08-20. Review status: criteria provided, single submitter. Criteria: GeneDx Variant Classification Process June 2021. Collection method: clinical testing. Allele origin: germline. Affected: yes.

Illumina Laboratory Services, Illumina
Classification: Benign for Focal segmental glomerulosclerosis 3, susceptibility to. Last evaluated: 2018-01-12. Review status: criteria provided, single submitter. Criteria: ICSL Variant Classification Criteria 13 December 2019. Collection method: clinical testing. Allele origin: germline.
Comment: This variant was observed in the ICSL laboratory as part of a predisposition screen in an ostensibly healthy population. It had not been previously curated by ICSL or reported in the Human Gene Mutation Database (HGMD: prior to June 1st, 2018), and was therefore a candidate for classification through an automated scoring system. Utilizing variant allele frequency, disease prevalence and penetrance estimates, and inheritance mode, an automated score was calculated to assess if this variant is too frequent to cause the disease. Based on the score and internal cut-off values, a variant classified as benign is not then subjected to further curation. The score for this variant resulted in a classification of benign for this disease.

Genome Diagnostics Laboratory, University Medical Center Utrecht
Classification: Benign for Focal segmental glomerulosclerosis 3, susceptibility to. Last evaluated: 2017-07-28. Review status: criteria provided, single submitter. Criteria: ACGS Guidelines, 2013. Collection method: clinical testing. Allele origin: germline. Affected: yes. Study: VKGL Data-share Consensus.

PreventionGenetics, part of Exact Sciences
Classification: Benign. Review status: criteria provided, single submitter. Criteria: ACMG Guidelines, 2015. Collection method: clinical testing. Allele origin: germline.

Diagnostic Laboratory, Department of Genetics, University Medical Center Groningen
Classification: Benign for Focal segmental glomerulosclerosis 3, susceptibility to. Review status: no assertion criteria provided. Collection method: clinical testing. Allele origin: germline. Affected: yes. Study: VKGL Data-share Consensus. Not counted in ClinVar's aggregate classification.

Joint Genome Diagnostic Labs from Nijmegen and Maastricht, Radboudumc and MUMC+
Classification: Benign. Review status: no assertion criteria provided. Collection method: clinical testing. Allele origin: germline. Affected: yes. Study: VKGL Data-share Consensus. Not counted in ClinVar's aggregate classification.

NM_012120.3(CD2AP):c.1204C>T (p.Leu402=)

Gene: CD2AP (CD2 associated protein; plus strand). Cytogenetic location: 6p12.3.
Variant type: single nucleotide variant.
Coding change: c.1204C>T on transcript NM_012120.3 (MANE Select); coding-DNA position 1204, C replaced by T.
Protein change: p.Leu402=; no amino-acid change (leucine 402 retained).
Molecular consequence: synonymous variant.
Genome position (GRCh38, 1-based): chr6:47,595,956, C>T. VCF-style: chr6-47595956-C-T. GRCh37 (hg19) VCF-style: chr6-47563692-C-T.
Other names: p.Leu402=.
Identifiers: ClinVar variation 260181 (VCV000260181.24), dbSNP rs2039503, ClinGen allele CA3844252.